The following is an entry in ClinVar:

NM_012092.4(ICOS):c.406T>C (p.Cys136Arg)

Gene: ICOS (inducible T cell costimulator; plus strand). Cytogenetic location: 2q33.2.
Variant type: single nucleotide variant.
Coding change: c.406T>C on transcript NM_012092.4 (MANE Select); coding-DNA position 406, T replaced by C.
Protein change: p.Cys136Arg; replaces cysteine 136 with arginine.
Molecular consequence: missense variant.
Genome position (GRCh38, 1-based): chr2:203,956,670, T>C. VCF-style: chr2-203956670-T-C. GRCh37 (hg19) VCF-style: chr2-204821393-T-C.
Other names: short protein forms C136R.
Identifiers: ClinVar variation 1513759 (VCV001513759.8), dbSNP rs746054383, ClinGen allele CA2067279.

ClinVar aggregate classification (germline): Uncertain significance (1 of 4 stars; one submission).

Conditions:
Immunodeficiency, common variable, 1. Also called: ANTIBODY DEFICIENCY DUE TO ICOS DEFECT. Identifiers: Orphanet 1572, Orphanet 695183, MedGen C3149378, MONDO:0011864, OMIM 607594.

Allele frequency attached by ClinVar (database versions not stated): ExAC 0.00001; gnomAD exomes below 0.00001.
gnomAD v4.1: 1 of 1,612,892 alleles (0.000062%); highest among the groups gnomAD compares: Non-Finnish European, 0.000085%; no homozygotes.

Submission:

Labcorp Genetics (formerly Invitae), Labcorp
Classification: Uncertain significance for Immunodeficiency, common variable, 1. Last evaluated: 2021-02-27. Review status: criteria provided, single submitter. Criteria: Invitae Variant Classification Sherloc (09022015). Collection method: clinical testing. Allele origin: germline.
Comment: In summary, the available evidence is currently insufficient to determine the role of this variant in disease. Therefore, it has been classified as a Variant of Uncertain Significance. Algorithms developed to predict the effect of missense changes on protein structure and function (SIFT, PolyPhen-2, Align-GVGD) all suggest that this variant is likely to be disruptive, but these predictions have not been confirmed by published functional studies and their clinical significance is uncertain. This variant has not been reported in the literature in individuals with ICOS-related conditions. This variant is present in population databases (rs746054383, ExAC 0.001%). This sequence change replaces cysteine with arginine at codon 136 of the ICOS protein (p.Cys136Arg). The cysteine residue is highly conserved and there is a large physicochemical difference between cysteine and arginine.